The following is an entry in ClinVar:

NM_006231.4(POLE):c.6142A>T (p.Ile2048Phe)

Gene: POLE (DNA polymerase epsilon, catalytic subunit; minus strand). Cytogenetic location: 12q24.33.
Variant type: single nucleotide variant.
Coding change: c.6142A>T on transcript NM_006231.4 (MANE Select); coding-DNA position 6142, A replaced by T.
Protein change: p.Ile2048Phe; replaces isoleucine 2048 with phenylalanine.
Molecular consequence: missense variant.
Genome position (GRCh38, 1-based): chr12:132,632,503, T>A on the plus strand (A>T on the coding strand, the complement: POLE is on the minus strand). VCF-style: chr12-132632503-T-A. GRCh37 (hg19) VCF-style: chr12-133209089-T-A.
Other names: short protein forms I2048F.
Identifiers: ClinVar variation 1486196 (VCV001486196.5), dbSNP rs2138461658, ClinGen allele CA387370082.

ClinVar aggregate classification (germline): Uncertain significance (1 of 4 stars; one submission).

Conditions:
Colorectal cancer, susceptibility to, 12 (CRCS12). Also called: COLORECTAL CANCER, SUSCEPTIBILITY TO, ON CHROMOSOME 12q24. Identifiers: Orphanet 220460, MedGen C3554460, MONDO:0014038, OMIM 615083.

Submission:

Labcorp Genetics (formerly Invitae), Labcorp
Classification: Uncertain significance for Colorectal cancer, susceptibility to, 12. Last evaluated: 2021-08-31. Review status: criteria provided, single submitter. Criteria: Invitae Variant Classification Sherloc (09022015). Collection method: clinical testing. Allele origin: germline.
Comment: This sequence change replaces isoleucine with phenylalanine at codon 2048 of the POLE protein (p.Ile2048Phe). The isoleucine residue is moderately conserved and there is a small physicochemical difference between isoleucine and phenylalanine. This variant is not present in population databases (ExAC no frequency). This variant has not been reported in the literature in individuals affected with POLE-related conditions. Algorithms developed to predict the effect of missense changes on protein structure and function are either unavailable or do not agree on the potential impact of this missense change (SIFT: "Deleterious"; PolyPhen-2: "Benign"; Align-GVGD: "Class C0"). In summary, the available evidence is currently insufficient to determine the role of this variant in disease. Therefore, it has been classified as a Variant of Uncertain Significance.